The following is an entry in ClinVar:

NM_001458.5(FLNC):c.5799T>A (p.Asp1933Glu)

Genes: FLNC (filamin C; plus strand), FLNC-AS1 (FLNC antisense RNA 1; minus strand). Cytogenetic location: 7q32.1.
Variant type: single nucleotide variant.
Coding change: c.5799T>A on transcript NM_001458.5 (MANE Select); coding-DNA position 5799, T replaced by A.
Protein change: p.Asp1933Glu; replaces aspartic acid 1933 with glutamic acid.
Molecular consequence: missense variant.
Genome position (GRCh38, 1-based): chr7:128,851,585, T>A. VCF-style: chr7-128851585-T-A. GRCh37 (hg19) VCF-style: chr7-128491639-T-A.
Other names: c.5700T>A, p.Asp1900Glu (NM_001127487.2); short protein forms D1900E, D1933E.
Identifiers: ClinVar variation 4812346 (VCV004812346.2).
Genomic context (GRCh38, chr7:128,851,585, plus strand): 5'-CTGCACCGTGTCCTATCTGCCGACTGCGCCTGGAGACTACAGCATCATCGTGCGCTTCGA[T>A]GACAAGCACATCCCGGGGAGCCCCTTCACAGCCAAGATCACAGGTGAGGCGGGTGTATGG-3'
Protein context (NP_001449.3, residues 1923-1943): PGDYSIIVRF[Asp1933Glu]DKHIPGSPFT

ClinVar aggregate classification (germline): Uncertain significance. Review status: criteria provided, multiple submitters, no conflicts (2 of 4 stars). 2 submissions from 2 submitters: Uncertain significance (2). Last evaluated 2026-06-09.

Conditions:
Distal myopathy with posterior leg and anterior hand involvement. Also called: WILLIAMS DISTAL MYOPATHY. Identifiers: Orphanet 63273, MedGen C3279722, MONDO:0013550, OMIM 614065.
Hypertrophic cardiomyopathy 26. Also called: Cardiomyopathy, familial hypertrophic, 26. Identifiers: Orphanet 75249, MedGen C4310749, MONDO:0014883, OMIM 617047.
Myofibrillar myopathy 5. Also called: Filaminopathy (type); FILAMINOPATHY, AUTOSOMAL DOMINANT. Identifiers: Orphanet 171445, MedGen C1836050, MONDO:0012289, OMIM 609524.
Cardiovascular phenotype. Identifiers: MedGen CN230736.

gnomAD v4.1: 1 of 1,613,840 alleles (0.000062%); highest among the groups gnomAD compares: Admixed American, 0.0017%; no homozygotes.

Submissions (2):

Ambry Genetics
Classification: Uncertain significance for Cardiovascular phenotype. Last evaluated: 2026-06-09. Review status: criteria provided, single submitter. Criteria: Ambry Variant Classification Scheme 2023. Collection method: clinical testing. Allele origin: germline.
Comment: The p.D1933E variant (also known as c.5799T>A), located in coding exon 35 of the FLNC gene, results from a T to A substitution at nucleotide position 5799. The aspartic acid at codon 1933 is replaced by glutamic acid, an amino acid with highly similar properties. This amino acid position is conserved. In addition, this alteration is predicted to be tolerated by in silico analysis. Based on the available evidence, the clinical significance of this variant remains unclear.

Labcorp Genetics (formerly Invitae), Labcorp
Classification: Uncertain significance for Distal myopathy with posterior leg and anterior hand involvement; Myofibrillar myopathy 5; Hypertrophic cardiomyopathy 26. Last evaluated: 2025-10-13. Review status: criteria provided, single submitter. Criteria: Invitae Variant Classification Sherloc (09022015). Collection method: clinical testing. Allele origin: germline.
Comment: This sequence change replaces aspartic acid, which is acidic and polar, with glutamic acid, which is acidic and polar, at codon 1933 of the FLNC protein (p.Asp1933Glu). This variant is not present in population databases (gnomAD no frequency). This variant has not been reported in the literature in individuals affected with FLNC-related conditions. Invitae Evidence Modeling of protein sequence and biophysical properties (such as structural, functional, and spatial information, amino acid conservation, physicochemical variation, residue mobility, and thermodynamic stability) has been performed for this missense variant. However, the output from this modeling did not meet the statistical confidence thresholds required to predict the impact of this variant on FLNC protein function. In summary, the available evidence is currently insufficient to determine the role of this variant in disease. Therefore, it has been classified as a Variant of Uncertain Significance.